The following is an entry in ClinVar:

NM_000108.5(DLD):c.1158C>G (p.Tyr386Ter)

Gene: DLD (dihydrolipoamide dehydrogenase; plus strand). Cytogenetic location: 7q31.1.
Variant type: single nucleotide variant.
Coding change: c.1158C>G on transcript NM_000108.5 (MANE Select); coding-DNA position 1158, C replaced by G.
Protein change: p.Tyr386Ter; replaces tyrosine 386 with a stop codon.
Molecular consequence: nonsense.
Genome position (GRCh38, 1-based): chr7:107,917,384, C>G. VCF-style: chr7-107917384-C-G. GRCh37 (hg19) VCF-style: chr7-107557829-C-G.
Other names: c.861C>G, p.Tyr287Ter (NM_001289750.1); c.1089C>G, p.Tyr363Ter (NM_001289751.1); c.1014C>G, p.Tyr338Ter (NM_001289752.1); short protein forms Y338*, Y363*, Y287*, Y386*.
Identifiers: ClinVar variation 2069354 (VCV002069354.4), dbSNP rs2535602518, ClinGen allele CA368858384.

ClinVar aggregate classification (germline): Pathogenic (1 of 4 stars; one submission).

Conditions:
Pyruvate dehydrogenase E3 deficiency (DLDD). Also called: DLD DEFICIENCY; E3 DEFICIENCY; Lipoamide dehydrogenase deficiency, lactic acidosis due to; Dihydrolipoamide Dehydrogenase Deficiency; MAPLE SYRUP URINE DISEASE, TYPE III; Dihydrolipoamide Dehydrogenase (E3) Deficiency. Identifiers: Orphanet 2394, Orphanet 765, MedGen C5574660, MONDO:0009529, OMIM 246900.

Submission:

Labcorp Genetics (formerly Invitae), Labcorp
Classification: Pathogenic for Pyruvate dehydrogenase E3 deficiency. Last evaluated: 2022-01-01. Review status: criteria provided, single submitter. Criteria: Invitae Variant Classification Sherloc (09022015). Collection method: clinical testing. Allele origin: germline.
Comment: This sequence change creates a premature translational stop signal (p.Tyr386*) in the DLD gene. It is expected to result in an absent or disrupted protein product. Loss-of-function variants in DLD are known to be pathogenic (PMID: 8968745, 9934985). This variant is not present in population databases (gnomAD no frequency). This variant has not been reported in the literature in individuals affected with DLD-related conditions. Algorithms developed to predict the effect of sequence changes on RNA splicing suggest that this variant may create or strengthen a splice site. For these reasons, this variant has been classified as Pathogenic.

Literature cited by the submitters: PubMed 8968745; PubMed 9934985.